The following is an entry in ClinVar:

NM_000179.3(MSH6):c.2598A>C (p.Lys866Asn)

Gene: MSH6 (mutS homolog 6; plus strand). Cytogenetic location: 2p16.3.
Variant type: single nucleotide variant.
Coding change: c.2598A>C on transcript NM_000179.3 (MANE Select); coding-DNA position 2598, A replaced by C.
Protein change: p.Lys866Asn; replaces lysine 866 with asparagine.
Molecular consequence: missense variant.
Genome position (GRCh38, 1-based): chr2:47,800,581, A>C. VCF-style: chr2-47800581-A-C. GRCh37 (hg19) VCF-style: chr2-48027720-A-C.
Other names: c.2208A>C, p.Lys736Asn (NM_001281492.2); c.1692A>C, p.Lys564Asn (NM_001281493.2, NM_001281494.2); short protein forms K564N, K736N, K866N.
Identifiers: ClinVar variation 649550 (VCV000649550.10), dbSNP rs1572727770, ClinGen allele CA346754906.

ClinVar aggregate classification (germline): Uncertain significance. Review status: criteria provided, multiple submitters, no conflicts (2 of 4 stars). 2 submissions from 2 submitters: Uncertain significance (2). Last evaluated 2025-03-24.

Conditions:
Hereditary nonpolyposis colorectal neoplasms. Identifiers: MedGen C0009405, MeSH D003123.
Hereditary cancer-predisposing syndrome. Also called: Neoplastic Syndromes, Hereditary; Tumor predisposition; Hereditary Cancer Syndrome; Hereditary neoplastic syndrome. Identifiers: Orphanet 140162, MedGen C0027672, MeSH D009386, MONDO:0015356.

Allele frequency attached by ClinVar (database versions not stated): gnomAD exomes below 0.00001.
gnomAD v4.1: 1 of 1,614,156 alleles (0.000062%); highest among the groups gnomAD compares: Non-Finnish European, 0.000085%; no homozygotes.

Submissions (2):

Ambry Genetics
Classification: Uncertain significance for Hereditary cancer-predisposing syndrome. Last evaluated: 2025-03-24. Review status: criteria provided, single submitter. Criteria: Ambry Variant Classification Scheme 2023. Collection method: clinical testing. Allele origin: germline.
Comment: The p.K866N variant (also known as c.2598A>C), located in coding exon 4 of the MSH6 gene, results from an A to C substitution at nucleotide position 2598. The lysine at codon 866 is replaced by asparagine, an amino acid with similar properties. This amino acid position is highly conserved in available vertebrate species. In addition, the in silico prediction for this alteration is inconclusive. Based on the available evidence, the clinical significance of this variant remains unclear.

Labcorp Genetics (formerly Invitae), Labcorp
Classification: Uncertain significance for Hereditary nonpolyposis colorectal neoplasms. Last evaluated: 2022-02-20. Review status: criteria provided, single submitter. Criteria: Invitae Variant Classification Sherloc (09022015). Collection method: clinical testing. Allele origin: germline.
Comment: Algorithms developed to predict the effect of missense changes on protein structure and function are either unavailable or do not agree on the potential impact of this missense change (SIFT: "Deleterious"; PolyPhen-2: "Probably Damaging"; Align-GVGD: "Class C0"). In summary, the available evidence is currently insufficient to determine the role of this variant in disease. Therefore, it has been classified as a Variant of Uncertain Significance. ClinVar contains an entry for this variant (Variation ID: 649550). This variant has not been reported in the literature in individuals affected with MSH6-related conditions. This variant is not present in population databases (gnomAD no frequency). This sequence change replaces lysine, which is basic and polar, with asparagine, which is neutral and polar, at codon 866 of the MSH6 protein (p.Lys866Asn).